The following is an entry in ClinVar:

ClinVar aggregate classification (germline): Benign (1 of 4 stars; one submission).

Conditions:
TLR1-related disorder. Also called: TLR1-related condition.

gnomAD v4.1: 5,468 of 1,614,176 alleles (0.34%); highest among the groups gnomAD compares: African/African-American, 3.9%; 73 homozygotes.

Submission:

PreventionGenetics, part of Exact Sciences
Classification: Benign for TLR1-related condition. Last evaluated: 2026-03-12. Review status: criteria provided, single submitter. Criteria: ACMG Guidelines, 2015. Collection method: clinical testing. Allele origin: germline.
Comment: This variant is classified as benign based on ACMG/AMP sequence variant interpretation guidelines (Richards et al. 2015 PMID: 25741868, with internal and published modifications).

NM_003263.4(TLR1):c.1968G>A (p.Leu656=)

Gene: TLR1 (toll like receptor 1; minus strand). Cytogenetic location: 4p14.
Variant type: single nucleotide variant.
Coding change: c.1968G>A on transcript NM_003263.4 (MANE Select); coding-DNA position 1968, G replaced by A.
Protein change: p.Leu656=; no amino-acid change (leucine 656 retained).
Molecular consequence: synonymous variant.
Genome position (GRCh38, 1-based): chr4:38,796,864, C>T on the plus strand (G>A on the coding strand, the complement: TLR1 is on the minus strand). VCF-style: chr4-38796864-C-T. GRCh37 (hg19) VCF-style: chr4-38798485-C-T.
Identifiers: ClinVar variation 4981871 (VCV004981871.1).